The following is an entry in ClinVar:

NM_198253.3(TERT):c.3323C>T (p.Pro1108Leu)

Gene: TERT (telomerase reverse transcriptase; minus strand). Cytogenetic location: 5p15.33.
Variant type: single nucleotide variant.
Coding change: c.3323C>T on transcript NM_198253.3 (MANE Select); coding-DNA position 3323, C replaced by T.
Protein change: p.Pro1108Leu; replaces proline 1108 with leucine.
Molecular consequence: missense variant. On other transcripts: non-coding transcript variant (2).
Genome position (GRCh38, 1-based): chr5:1,253,804, G>A on the plus strand (C>T on the coding strand, the complement: TERT is on the minus strand). VCF-style: chr5-1253804-G-A. GRCh37 (hg19) VCF-style: chr5-1253919-G-A.
Other names: c.3134C>T, p.Pro1045Leu (NM_001193376.3); short protein forms P1045L, P1108L.
Identifiers: ClinVar variation 658729 (VCV000658729.17), dbSNP rs376255453, ClinGen allele CA3184213.
Genomic context (GRCh38, chr5:1,253,804, plus strand): 5'-TTGAAGTCTGAGGGCAGTGCCGGGTTGGCTGCGGCCTCCAGGGCAGTCAGCGTCGTCCCC[G>A]GGAGCTTCCGACTCAGCTGCGTCTGGGCTGCGGGGCCAAAATCAGACTCCGTTCCAGAAG-3'
Protein context (NP_937983.2, residues 1098-1118): TAQTQLSRKL[Pro1108Leu]GTTLTALEAA

ClinVar aggregate classification (germline): Conflicting classifications of pathogenicity. Review status: criteria provided, conflicting classifications (1 of 4 stars). 7 submissions from 5 submitters: Uncertain significance (5); Likely benign (2). Last evaluated 2026-02-18.

Conditions:
Dyskeratosis congenita, autosomal dominant 2. Identifiers: MedGen C3151443, MONDO:0013521, OMIM 613989.
Aplastic anemia. Identifiers: Orphanet 182040, Orphanet 88, MedGen C0002874, MONDO:0015909, OMIM 609135, HP:0001915.
Idiopathic Pulmonary Fibrosis. Also called: Idiopathic fibrosing alveolitis, chronic form; idiopathic fibrosing alveolitis. Identifiers: Orphanet 2032, MedGen C1800706, MeSH D054990, MONDO:0800504.
Pulmonary fibrosis and/or bone marrow failure, Telomere-related, 1. Also called: PULMONARY FIBROSIS AND/OR BONE MARROW FAILURE SYNDROME, TELOMERE-RELATED, 1. Identifiers: Orphanet 88, MedGen C3553617, MONDO:0013878, OMIM 614742.
Dyskeratosis congenita. Identifiers: Orphanet 1775, MedGen C0265965, MONDO:0015780.

Allele frequency attached by ClinVar (database versions not stated): gnomAD 0.00004 and 0.00003; TOPMed 0.00005; ESP Exome Variant Server 0.00016; gnomAD exomes 0.00001; ExAC 0.00003.
gnomAD v4.1: 24 of 1,611,346 alleles (0.0015%); highest among the groups gnomAD compares: African/African-American, 0.011%; no homozygotes.

Submissions (7):

Ambry Genetics
Classification: Uncertain significance for Dyskeratosis congenita. Last evaluated: 2026-02-18. Review status: criteria provided, single submitter. Criteria: Ambry Variant Classification Scheme 2023. Collection method: clinical testing. Allele origin: germline.
Comment: The p.P1108L variant (also known as c.3323C>T), located in coding exon 16 of the TERT gene, results from a C to T substitution at nucleotide position 3323. The proline at codon 1108 is replaced by leucine, an amino acid with similar properties. This amino acid position is highly conserved in available vertebrate species. In addition, the in silico prediction for this alteration is inconclusive. Based on the available evidence, the clinical significance of this variant remains unclear.

Baylor Genetics
Classification: Uncertain significance for Dyskeratosis congenita, autosomal dominant 2. Last evaluated: 2024-01-30. Review status: criteria provided, single submitter. Criteria: ACMG Guidelines, 2015. Collection method: clinical testing. Allele origin: unknown.

Labcorp Genetics (formerly Invitae), Labcorp
Classification: Likely benign for Dyskeratosis congenita, autosomal dominant 2; Idiopathic Pulmonary Fibrosis. Last evaluated: 2023-12-12. Review status: criteria provided, single submitter. Criteria: Invitae Variant Classification Sherloc (09022015). Collection method: clinical testing. Allele origin: germline.

GeneDx
Classification: Uncertain significance. Last evaluated: 2022-12-06. Review status: criteria provided, single submitter. Criteria: GeneDx Variant Classification Process June 2021. Collection method: clinical testing. Allele origin: germline. Affected: yes.
Comment: In silico analysis supports that this missense variant has a deleterious effect on protein structure/function; Identified in an individual with a personal history of rheumatoid arthritis-associated interstitial lung disease (ILD) and no family history of ILD (Juge et al., 2017); This variant is associated with the following publications: (PMID: 31426295, 28495692)

Illumina Laboratory Services, Illumina
Classification: Uncertain significance for Aplastic anemia. Last evaluated: 2018-01-12. Review status: criteria provided, single submitter. Criteria: ICSL Variant Classification Criteria 13 December 2019. Collection method: clinical testing. Allele origin: germline.

Illumina Laboratory Services, Illumina
Classification: Uncertain significance for Dyskeratosis congenita, autosomal dominant 2. Last evaluated: 2018-01-12. Review status: criteria provided, single submitter. Criteria: ICSL Variant Classification Criteria 13 December 2019. Collection method: clinical testing. Allele origin: germline.

Illumina Laboratory Services, Illumina
Classification: Likely benign for Pulmonary fibrosis and/or bone marrow failure, Telomere-related, 1. Last evaluated: 2018-01-12. Review status: criteria provided, single submitter. Criteria: ICSL Variant Classification Criteria 13 December 2019. Collection method: clinical testing. Allele origin: germline.
Comment: This variant was observed in the ICSL laboratory as part of a predisposition screen in an ostensibly healthy population. It had not been previously curated by ICSL or reported in the Human Gene Mutation Database (HGMD: prior to June 1st, 2018), and was therefore a candidate for classification through an automated scoring system. Utilizing variant allele frequency, disease prevalence and penetrance estimates, and inheritance mode, an automated score was calculated to assess if this variant is too frequent to cause the disease. Based on the score and internal cut-off values, a variant classified as likely benign is not then subjected to further curation. The score for this variant resulted in a classification of likely benign for this disease.